The following is an entry in ClinVar:

ClinVar aggregate classification (germline): Benign/Likely benign. Review status: criteria provided, multiple submitters, no conflicts (2 of 4 stars). 6 submissions from 6 submitters: Benign (4); Likely benign (2). Last evaluated 2026-02-02.

Conditions:
Collagen 6-related myopathy. Identifiers: MedGen CN117976, MONDO:0100225.
Bethlem myopathy 1A. Also called: Bethlem myopathy 1; MYOPATHY, BENIGN CONGENITAL, WITH CONTRACTURES; Bethlem Muscular Dystrophy. Identifiers: Orphanet 610, MedGen CN029274, MONDO:0024530, OMIM 158810.

Allele frequency attached by ClinVar (database versions not stated): 1000 Genomes Project 0.00859; 1000 Genomes Project 30x 0.00874; ESP Exome Variant Server 0.00965; TOPMed 0.01019.
gnomAD v4.1: 2,915 of 1,594,036 alleles (0.18%); highest among the groups gnomAD compares: African/African-American, 3.4%; 42 homozygotes.

Submissions (6):

Labcorp Genetics (formerly Invitae), Labcorp
Classification: Benign for Bethlem myopathy 1A. Last evaluated: 2026-02-02. Review status: criteria provided, single submitter. Criteria: Invitae Variant Classification Sherloc (09022015). Collection method: clinical testing. Allele origin: germline.

Mayo Clinic Laboratories, Mayo Clinic
Classification: Benign. Last evaluated: 2019-07-25. Review status: criteria provided, single submitter. Criteria: ACMG Guidelines, 2015. Collection method: clinical testing. Allele origin: germline. Observed: 4 variant alleles.

Illumina Laboratory Services, Illumina
Classification: Benign for Collagen VI-related myopathy. Last evaluated: 2018-01-13. Review status: criteria provided, single submitter. Criteria: ICSL Variant Classification Criteria 13 December 2019. Collection method: clinical testing. Allele origin: germline.
Comment: This variant was observed in the ICSL laboratory as part of a predisposition screen in an ostensibly healthy population. It had not been previously curated by ICSL or reported in the Human Gene Mutation Database (HGMD: prior to June 1st, 2018), and was therefore a candidate for classification through an automated scoring system. Utilizing variant allele frequency, disease prevalence and penetrance estimates, and inheritance mode, an automated score was calculated to assess if this variant is too frequent to cause the disease. Based on the score and internal cut-off values, a variant classified as benign is not then subjected to further curation. The score for this variant resulted in a classification of benign for this disease.

GeneDx
Classification: Benign. Last evaluated: 2016-08-08. Review status: criteria provided, single submitter. Criteria: GeneDx Variant Classification (06012015). Collection method: clinical testing. Allele origin: germline. Affected: yes.
Comment: This variant is considered likely benign or benign based on one or more of the following criteria: it is a conservative change, it occurs at a poorly conserved position in the protein, it is predicted to be benign by multiple in silico algorithms, and/or has population frequency not consistent with disease.

Breakthrough Genomics
Classification: Likely benign. Review status: criteria provided, single submitter. Criteria: ACMG Guidelines, 2015. Collection method: not provided. Allele origin: germline. Inheritance: Autosomal recessive inheritance. Affected: yes.

PreventionGenetics, part of Exact Sciences
Classification: Likely benign. Review status: criteria provided, single submitter. Criteria: ACMG Guidelines, 2015. Collection method: clinical testing. Allele origin: germline.

NM_001848.3(COL6A1):c.1506G>C (p.Pro502=)

Gene: COL6A1 (collagen type VI alpha 1 chain; plus strand). Cytogenetic location: 21q22.3.
Variant type: single nucleotide variant.
Coding change: c.1506G>C on transcript NM_001848.3 (MANE Select); coding-DNA position 1506, G replaced by C.
Protein change: p.Pro502=; no amino-acid change (proline 502 retained).
Molecular consequence: synonymous variant.
Genome position (GRCh38, 1-based): chr21:45,997,744, G>C. VCF-style: chr21-45997744-G-C. GRCh37 (hg19) VCF-style: chr21-47417658-G-C.
Other names: p.Pro502=.
Identifiers: ClinVar variation 258286 (VCV000258286.18), dbSNP rs139987124, ClinGen allele CA10070356.